The following is an entry in ClinVar:

NM_001369.3(DNAH5):c.5710-6T>A

Gene: DNAH5 (dynein axonemal heavy chain 5; minus strand). Cytogenetic location: 5p15.2.
Variant type: single nucleotide variant.
Coding change: c.5710-6T>A on transcript NM_001369.3 (MANE Select); 6 bases into the intron before coding-DNA position 5710, T replaced by A.
Molecular consequence: intron variant.
Genome position (GRCh38, 1-based): chr5:13,839,534, A>T on the plus strand (T>A on the coding strand, the complement: DNAH5 is on the minus strand). VCF-style: chr5-13839534-A-T. GRCh37 (hg19) VCF-style: chr5-13839643-A-T.
Other names: c.5710-6T>A (NM_001369.2).
Identifiers: ClinVar variation 2173363 (VCV002173363.5), dbSNP rs2546903479, ClinGen allele CA2501982442.
Genomic context (GRCh38, chr5:13,839,534, plus strand): 5'-ATCTGCACTGTTTCAGCCACTCAAAGTCCATGGGACTCTTGATATGCATATGACACTGAA[A>T]TTCAAAAGGTATATGTTAGAGCTCTGATGAGAATCACTCATTAAATATACACGTTATTAG-3'

ClinVar aggregate classification (germline): Conflicting classifications of pathogenicity. Review status: criteria provided, conflicting classifications (1 of 4 stars). 2 submissions from 2 submitters: Likely pathogenic (1); Uncertain significance (1). Last evaluated 2025-02-03.

Conditions:
Primary ciliary dyskinesia. Also called: Ciliary dyskinesia. Identifiers: Orphanet 244, MedGen C0008780, MONDO:0016575, HP:0012265.

Allele frequency attached by ClinVar (database versions not stated): gnomAD exomes below 0.00001.
gnomAD v4.1: 6 of 1,612,112 alleles (0.00037%); highest among the groups gnomAD compares: Non-Finnish European, 0.00051%; no homozygotes.

Submissions (2):

Labcorp Genetics (formerly Invitae), Labcorp
Classification: Likely pathogenic for Primary ciliary dyskinesia. Last evaluated: 2025-02-03. Review status: criteria provided, single submitter. Criteria: Invitae Variant Classification Sherloc (09022015). Collection method: clinical testing. Allele origin: germline.
Comment: This sequence change falls in intron 34 of the DNAH5 gene. It does not directly change the encoded amino acid sequence of the DNAH5 protein. This variant is not present in population databases (gnomAD no frequency). This variant has been observed in individual(s) with clinical features of primary ciliary dyskinesia (internal data). In at least one individual the data is consistent with being in trans (on the opposite chromosome) from a pathogenic variant. ClinVar contains an entry for this variant (Variation ID: 2173363). Algorithms developed to predict the effect of sequence changes on RNA splicing suggest that this variant may disrupt the consensus splice site. In summary, the currently available evidence indicates that the variant is pathogenic, but additional data are needed to prove that conclusively. Therefore, this variant has been classified as Likely Pathogenic.

Molecular Genetics McLendon Clinical Laboratories, University of North Carolina at Chapel Hill
Classification: Uncertain significance for Primary ciliary dyskinesia. Last evaluated: 2024-01-12. Review status: criteria provided, single submitter. Criteria: ACMG Guidelines, 2015. Collection method: clinical testing. Allele origin: germline.